The following is an entry in ClinVar:

ClinVar aggregate classification (germline): Likely benign (1 of 4 stars; one submission).

Conditions:
AFF4-related disorder. Also called: AFF4-related condition.

Submission:

PreventionGenetics, part of Exact Sciences
Classification: Likely benign for AFF4-related condition. Last evaluated: 2025-07-14. Review status: criteria provided, single submitter. Criteria: ACMG Guidelines, 2015. Collection method: clinical testing. Allele origin: germline.
Comment: This variant is classified as likely benign based on ACMG/AMP sequence variant interpretation guidelines (Richards et al. 2015 PMID: 25741868, with internal and published modifications).

NM_014423.4(AFF4):c.*3T>A

Gene: AFF4 (ALF transcription elongation factor 4; minus strand). Cytogenetic location: 5q31.1.
Variant type: single nucleotide variant.
Coding change: c.*3T>A on transcript NM_014423.4 (MANE Select); 3 bases downstream of the stop codon, T replaced by A.
Molecular consequence: 3 prime UTR variant.
Genome position (GRCh38, 1-based): chr5:132,881,056, A>T on the plus strand (T>A on the coding strand, the complement: AFF4 is on the minus strand). VCF-style: chr5-132881056-A-T. GRCh37 (hg19) VCF-style: chr5-132216748-A-T.
Identifiers: ClinVar variation 5001733 (VCV005001733.1).